The following is an entry in ClinVar:

ClinVar aggregate classification (germline): Uncertain significance. Review status: criteria provided, multiple submitters, no conflicts (2 of 4 stars). 2 submissions from 2 submitters: Uncertain significance (2). Last evaluated 2022-08-15.

Conditions:
Epidermolysis bullosa simplex 3, localized or generalized intermediate, with BP230 deficiency (EBS3). Also called: Epidermolysis bullosa simplex, autosomal recessive 2; Epidermolysis bullosa simplex due to BP230 deficiency. Identifiers: Orphanet 412181, MedGen C3809470, MONDO:0014180, OMIM 615425.
Hereditary sensory and autonomic neuropathy type 6. Also called: Neuropathy, hereditary sensory and autonomic, type VI; HSAN VI. Identifiers: Orphanet 314381, MedGen C3539003, MONDO:0013839, OMIM 614653.
Inborn genetic diseases. Identifiers: MedGen C0950123, MeSH D030342.

Allele frequency attached by ClinVar (database versions not stated): ExAC 0.00006; gnomAD exomes 0.00006; gnomAD 0.00008 and 0.00009; TOPMed 0.00009.
gnomAD v4.1: 280 of 1,613,544 alleles (0.017%); highest among the groups gnomAD compares: Non-Finnish European, 0.023%; no homozygotes.

Submissions (2):

Ambry Genetics
Classification: Uncertain significance for Inborn genetic diseases. Last evaluated: 2022-08-15. Review status: criteria provided, single submitter. Criteria: Ambry Variant Classification Scheme 2023. Collection method: clinical testing. Allele origin: germline.
Comment: The p.K1883T variant (also known as c.5648A>C), located in coding exon 41 of the DST gene, results from an A to C substitution at nucleotide position 5648. The lysine at codon 1883 is replaced by threonine, an amino acid with similar properties. This amino acid position is not well conserved in available vertebrate species. In addition, this alteration is predicted to be tolerated by in silico analysis. Since supporting evidence is limited at this time, the clinical significance of this alteration remains unclear.

Labcorp Genetics (formerly Invitae), Labcorp
Classification: Uncertain significance for Epidermolysis bullosa simplex 3, localized or generalized intermediate, with BP230 deficiency; Hereditary sensory and autonomic neuropathy type 6. Last evaluated: 2021-11-22. Review status: criteria provided, single submitter. Criteria: Invitae Variant Classification Sherloc (09022015). Collection method: clinical testing. Allele origin: germline.
Comment: The DST gene has multiple clinically relevant transcripts. This variant occurs in alternate transcript NM_015548.4, and corresponds to NM_001723.5:c.*17587A>C in the primary transcript. This sequence change replaces lysine, which is basic and polar, with threonine, which is neutral and polar, at codon 1379 of the DST protein (p.Lys1379Thr). This variant is present in population databases (rs747125039, gnomAD 0.01%). This variant has not been reported in the literature in individuals affected with DST-related conditions. ClinVar contains an entry for this variant (Variation ID: 964965). Experimental studies and prediction algorithms are not available or were not evaluated, and the functional significance of this variant is currently unknown. In summary, the available evidence is currently insufficient to determine the role of this variant in disease. Therefore, it has been classified as a Variant of Uncertain Significance.

NM_001374736.1(DST):c.12005A>C (p.Lys4002Thr)

Gene: DST (dystonin; minus strand). Cytogenetic location: 6p12.1.
Variant type: single nucleotide variant.
Coding change: c.12005A>C on transcript NM_001374736.1 (MANE Select); coding-DNA position 12005, A replaced by C.
Protein change: p.Lys4002Thr; replaces lysine 4002 with threonine.
Molecular consequence: missense variant.
Genome position (GRCh38, 1-based): chr6:56,597,930, T>G on the plus strand (A>C on the coding strand, the complement: DST is on the minus strand). VCF-style: chr6-56597930-T-G. GRCh37 (hg19) VCF-style: chr6-56462728-T-G.
Other names: c.5648A>C, p.Lys1883Thr (NM_001144769.5); c.5234A>C, p.Lys1745Thr (NM_001144770.2); c.12005A>C, p.Lys4002Thr (NM_001374722.1); c.11372A>C, p.Lys3791Thr (NM_001374729.1); c.5114A>C, p.Lys1705Thr (NM_001374730.1, NM_183380.4); c.12032A>C, p.Lys4011Thr (NM_001374734.1); c.4136A>C, p.Lys1379Thr (NM_015548.5); short protein forms K1379T, K1705T, K3791T, K1745T, K4002T, K1883T, K4011T.
Identifiers: ClinVar variation 964965 (VCV000964965.7), dbSNP rs747125039, ClinGen allele CA3868537.